The following is an entry in ClinVar:

ClinVar aggregate classification (germline): Likely benign. Review status: criteria provided, multiple submitters, no conflicts (2 of 4 stars). 3 submissions from 3 submitters: Likely benign (2). 1 of the submissions does not count toward it. Last evaluated 2024-02-25.

Conditions:
PEX1-related disorder. Also called: PEX1-related condition.
Zellweger spectrum disorders (ZS). Also called: Zellweger syndrome; Zellweger Spectrum Disorder; Zellweger Spectrum; Zellweger Spectrum Disorder (ZSD). Identifiers: Orphanet 912, MedGen C0043459, MONDO:0019609.

Allele frequency attached by ClinVar (database versions not stated): gnomAD exomes below 0.00001 and 0.00002; gnomAD 0.00001; TOPMed 0.00002.
gnomAD v4.1: 31 of 1,589,828 alleles (0.0019%); highest among the groups gnomAD compares: Non-Finnish European, 0.0026%; no homozygotes.

Submissions (3):

Labcorp Genetics (formerly Invitae), Labcorp
Classification: Likely benign for Zellweger spectrum disorders. Last evaluated: 2024-02-25. Review status: criteria provided, single submitter. Criteria: Invitae Variant Classification Sherloc (09022015). Collection method: clinical testing. Allele origin: germline.

Blueprint Genetics
Classification: Likely benign. Last evaluated: 2023-07-04. Review status: criteria provided, single submitter. Criteria: ACMG Guidelines, 2015. Collection method: clinical testing. Allele origin: germline.

PreventionGenetics, part of Exact Sciences
Classification: Likely benign for PEX1-related condition. Last evaluated: 2024-08-29. Review status: no assertion criteria provided. Collection method: clinical testing. Allele origin: germline. Not counted in ClinVar's aggregate classification.
Comment: This variant is classified as likely benign based on ACMG/AMP sequence variant interpretation guidelines (Richards et al. 2015 PMID: 25741868, with internal and published modifications).

NM_000466.3(PEX1):c.1359+10A>G

Gene: PEX1 (peroxisomal biogenesis factor 1; minus strand). Cytogenetic location: 7q21.2.
Variant type: single nucleotide variant.
Coding change: c.1359+10A>G on transcript NM_000466.3 (MANE Select); 10 bases into the intron after coding-DNA position 1359, A replaced by G.
Molecular consequence: intron variant.
Genome position (GRCh38, 1-based): chr7:92,513,838, T>C on the plus strand (A>G on the coding strand, the complement: PEX1 is on the minus strand). VCF-style: chr7-92513838-T-C. GRCh37 (hg19) VCF-style: chr7-92143152-T-C.
Other names: c.1359+10A>G (NM_001282677.2, NM_000466.2); c.735+10A>G (NM_001282678.2).
Identifiers: ClinVar variation 1123912 (VCV001123912.11), dbSNP rs1452023751, ClinGen allele CA576307352.